The following is an entry in ClinVar:

ClinVar aggregate classification (germline): Uncertain significance. Review status: criteria provided, multiple submitters, no conflicts (2 of 4 stars). 2 submissions from 2 submitters: Uncertain significance (2). Last evaluated 2023-09-08.

Conditions:
Fanconi anemia (FA). Also called: Fanconi's anemia. Identifiers: Orphanet 84, MedGen C0015625, MeSH D005199, MONDO:0019391.
FANCA-related disorder. Also called: FANCA-related condition.

Submissions (2):

PreventionGenetics, part of Exact Sciences
Classification: Uncertain significance for FANCA-related condition. Last evaluated: 2023-09-08. Review status: criteria provided, single submitter. Criteria: ACMG Guidelines, 2015. Collection method: clinical testing. Allele origin: germline.
Comment: The FANCA c.3778_3783del6 variant is predicted to result in an in-frame deletion (p.Leu1260_Phe1261del). To our knowledge, this variant has not been reported in the literature. This variant is reported in 0.0029% of alleles in individuals of Latino descent in gnomAD. At this time, the clinical significance of this variant is uncertain due to the absence of conclusive functional and genetic evidence.

Labcorp Genetics (formerly Invitae), Labcorp
Classification: Uncertain significance for Fanconi anemia. Last evaluated: 2021-08-24. Review status: criteria provided, single submitter. Criteria: Invitae Variant Classification Sherloc (09022015). Collection method: clinical testing. Allele origin: germline.
Comment: This variant, c.3778_3783del, results in the deletion of 2 amino acid(s) of the FANCA protein (p.Leu1260_Phe1261del), but otherwise preserves the integrity of the reading frame. This variant is not present in population databases (ExAC no frequency). This variant has not been reported in the literature in individuals affected with FANCA-related conditions. Experimental studies and prediction algorithms are not available or were not evaluated, and the functional significance of this variant is currently unknown. In summary, the available evidence is currently insufficient to determine the role of this variant in disease. Therefore, it has been classified as a Variant of Uncertain Significance.

NM_000135.4(FANCA):c.3778_3783del (p.Leu1260_Phe1261del)

Genes: FANCA (FA complementation group A; minus strand), ZNF276 (zinc finger protein 276; plus strand). Cytogenetic location: 16q24.3.
Variant type: Deletion.
Coding change: c.3778_3783del on transcript NM_000135.4 (MANE Select); coding-DNA positions 3778 to 3783, 6 bases deleted (CTTTTC; older notation c.3778_3783delCTTTTC).
Protein change: p.Leu1260_Phe1261del.
Molecular consequence: inframe deletion. On other transcripts: inframe indel (2), 3 prime UTR variant (2), non-coding transcript variant (4).
Genome position (GRCh38, 1-based): chr16:89,740,849-89,740,854, GAAAAG deleted on the plus strand (CTTTTC on the coding strand, the reverse complement: FANCA is on the minus strand); deleting any 6 consecutive bases within chr16:89,740,849-89,740,859 gives the same sequence; the c. name uses the placement nearest the transcript's 3' end. VCF-style (leftmost placement, unchanged base first): chr16-89740848-AGAAAAG-A. GRCh37 (hg19) VCF-style: chr16-89807256-AGAAAAG-A.
Other names: c.3778_3783delCTTTTC (NM_000135.2); c.3778_3783del6 (NM_000135.2); c.3778_3783del, p.Leu1260_Phe1261del (NM_001286167.3); c.*2608_*2613del (NM_001113525.2, NM_152287.4).
Identifiers: ClinVar variation 456122 (VCV000456122.6), dbSNP rs1157717956, ClinGen allele CA624279332.
Genomic context (GRCh38, chr16:89,740,848, plus strand): 5'-GTAAGGTCTGACTTACATTTGAGGTCAGATGTGACGACAGCAGGCCCATCAAGGAGAAGA[AGAAAAG>A]GAAAACCAATAGCTGTAAATAAAAACGTGCACTTATTATTACATTAAAATTACCTGTGCT-3'